The following is an entry in ClinVar:

NM_000292.3(PHKA2):c.2503G>C (p.Glu835Gln)

Gene: PHKA2 (phosphorylase kinase regulatory subunit alpha 2; minus strand). Cytogenetic location: Xp22.13.
Variant type: single nucleotide variant.
Coding change: c.2503G>C on transcript NM_000292.3 (MANE Select); coding-DNA position 2503, G replaced by C.
Protein change: p.Glu835Gln; replaces glutamic acid 835 with glutamine.
Molecular consequence: missense variant.
Genome position (GRCh38, 1-based): chrX:18,907,914, C>G on the plus strand (G>C on the coding strand, the complement: PHKA2 is on the minus strand). VCF-style: chrX-18907914-C-G. GRCh37 (hg19) VCF-style: chrX-18926032-C-G.
Other names: short protein forms E835Q.
Identifiers: ClinVar variation 451259 (VCV000451259.2), dbSNP rs1234436850, ClinGen allele CA412383219.

ClinVar aggregate classification (germline): Uncertain significance (1 of 4 stars; one submission).

Allele frequency attached by ClinVar (database versions not stated): TOPMed below 0.00001 and 0.00001.

Submission:

GeneDx
Classification: Uncertain significance. Last evaluated: 2017-08-25. Review status: criteria provided, single submitter. Criteria: GeneDx Variant Classification (06012015). Collection method: clinical testing. Allele origin: germline. Affected: yes.
Comment: The E835Q variant has not been published as a pathogenic variant, nor has it been reported as a benign variant to our knowledge. The E835Q variant is not observed in large population cohorts (Lek et al., 2016; 1000 Genomes Consortium et al., 2015; Exome Variant Server). The E835Q variant is a semi-conservative amino acid substitution, which may impact secondary protein structure as these residues differ in some properties. This substitution occurs at a position that is conserved across species, and in silico analysis predicts this variant is probably damaging to the protein structure/function. In summary, based on the currently available information, it is unclear whether this variant is a pathogenic variant or a rare benign variant.